The following is an entry in ClinVar:

ClinVar aggregate classification (germline): Uncertain significance. Review status: criteria provided, multiple submitters, no conflicts (2 of 4 stars). 2 submissions from 2 submitters: Uncertain significance (2). Last evaluated 2025-10-21.

Conditions:
Familial cancer of breast. Also called: Hereditary breast cancer; BREAST CANCER, FAMILIAL; hereditary breast carcinoma. Identifiers: Orphanet 227535, MedGen C0346153, MONDO:0016419, OMIM 114480. Disease mechanism: loss of function.
Hereditary cancer-predisposing syndrome. Also called: Tumor predisposition; Hereditary Cancer Syndrome; Neoplastic Syndromes, Hereditary; Hereditary neoplastic syndrome. Identifiers: Orphanet 140162, MedGen C0027672, MeSH D009386, MONDO:0015356.

Submissions (2):

Ambry Genetics
Classification: Uncertain significance for Hereditary cancer-predisposing syndrome. Last evaluated: 2025-10-21. Review status: criteria provided, single submitter. Criteria: Ambry Variant Classification Scheme 2023. Collection method: clinical testing. Allele origin: germline.
Comment: The c.3154-5C>A intronic variant results from a C to A substitution 5 nucleotides upstream from coding exon 21 in the ATM gene. This nucleotide position is not well conserved in available vertebrate species. In silico splice site analysis predicts that this alteration may weaken the native splice acceptor site and will result in the creation or strengthening of a novel splice acceptor site; however, direct evidence is insufficient at this time (Ambry internal data). Based on the available evidence, the clinical significance of this variant remains unclear.

Department of Pathology and Laboratory Medicine, Sinai Health System
Classification: Uncertain significance for Familial cancer of breast. Last evaluated: 2022-05-05. Review status: criteria provided, single submitter. Criteria: ACMG Guidelines, 2015. Collection method: clinical testing. Allele origin: germline. Affected: yes.

NM_000051.4(ATM):c.3154-5C>A

Gene: ATM (ATM serine/threonine kinase; plus strand). Cytogenetic location: 11q22.3.
Variant type: single nucleotide variant.
Coding change: c.3154-5C>A on transcript NM_000051.4 (MANE Select); 5 bases into the intron before coding-DNA position 3154, C replaced by A.
Molecular consequence: intron variant.
Genome position (GRCh38, 1-based): chr11:108,272,717, C>A. VCF-style: chr11-108272717-C-A. GRCh37 (hg19) VCF-style: chr11-108143444-C-A.
Other names: c.3154-5C>A (NM_001351834.2).
Identifiers: ClinVar variation 3779366 (VCV003779366.2).